The following is an entry in ClinVar:

ClinVar aggregate classification (germline): Uncertain significance (1 of 4 stars; one submission).

Conditions:
Dystonic disorder. Also called: Dystonia. Identifiers: MedGen C0013421, MONDO:0003441, HP:0001332.

Allele frequency attached by ClinVar (database versions not stated): TOPMed 0.00002; ExAC 0.00010; gnomAD exomes 0.00016.
gnomAD v4.1: 48 of 1,496,768 alleles (0.0032%); highest among the groups gnomAD compares: Admixed American, 0.026%; 1 homozygote.

Submission:

Labcorp Genetics (formerly Invitae), Labcorp
Classification: Uncertain significance for Dystonic disorder. Last evaluated: 2022-07-06. Review status: criteria provided, single submitter. Criteria: Invitae Variant Classification Sherloc (09022015). Collection method: clinical testing. Allele origin: germline.
Comment: This sequence change replaces alanine, which is neutral and non-polar, with threonine, which is neutral and polar, at codon 82 of the SPR protein (p.Ala82Thr). This variant is present in population databases (rs774854066, gnomAD 0.05%). This variant has not been reported in the literature in individuals affected with SPR-related conditions. ClinVar contains an entry for this variant (Variation ID: 999238). Algorithms developed to predict the effect of missense changes on protein structure and function output the following: SIFT: "Tolerated"; PolyPhen-2: "Benign"; Align-GVGD: "Class C0". The threonine amino acid residue is found in multiple mammalian species, which suggests that this missense change does not adversely affect protein function. In summary, the available evidence is currently insufficient to determine the role of this variant in disease. Therefore, it has been classified as a Variant of Uncertain Significance.

NM_003124.5(SPR):c.244G>A (p.Ala82Thr)

Gene: SPR (sepiapterin reductase; plus strand). Cytogenetic location: 2p13.2.
Variant type: single nucleotide variant.
Coding change: c.244G>A on transcript NM_003124.5 (MANE Select); coding-DNA position 244, G replaced by A.
Protein change: p.Ala82Thr; replaces alanine 82 with threonine.
Molecular consequence: missense variant.
Genome position (GRCh38, 1-based): chr2:72,887,676, G>A. VCF-style: chr2-72887676-G-A. GRCh37 (hg19) VCF-style: chr2-73114805-G-A.
Other names: short protein forms A82T.
Identifiers: ClinVar variation 999238 (VCV000999238.6), dbSNP rs774854066, ClinGen allele CA1708916.
Genomic context (GRCh38, chr2:72,887,676, plus strand): 5'-CGCGTGGTGCGGGTGCCCGCCGACCTGGGCGCCGAGGCCGGCTTGCAGCAGCTGCTCGGC[G>A]CCCTGCGCGAGCTCCCCCGGCCCAAGGGGCTGCAGCGACTGCTGCTTATCAACAACGCGG-3'
Protein context (NP_003115.1, residues 72-92): AEAGLQQLLG[Ala82Thr]LRELPRPKGL